The following is an entry in ClinVar:

ClinVar aggregate classification (germline): Likely pathogenic (1 of 4 stars; one submission).

Conditions:
X-linked Alport syndrome (ATS1). Also called: NEPHROPATHY AND DEAFNESS, X-LINKED; COL4A5-Related Nephropathy. Identifiers: Orphanet 63, Orphanet 88917, MedGen C4746986, MONDO:0010520, OMIM 301050.

Submission:

Natera, Inc.
Classification: Likely pathogenic for X-linked Alport syndrome. Last evaluated: 2024-12-13. Review status: criteria provided, single submitter. Criteria: Natera Variant Classification Schema (03/2026). Collection method: clinical testing. Allele origin: germline.
Comment: The c.4261G>T variant in COL4A5 is a missense variant predicted to cause substitution of glycine to tryptophan at amino acid 1421. This variant is rare in the general population with a frequency below the threshold expected for the associated phenotype(s). This variant has been observed in affected individual(s) with monoallelic occurrence (heterozygous/hemizygous) (PMID: 9452056). This variant is located in a functionally critical region of the protein. Computational prediction algorithms indicate this variant is likely to affect gene or protein function. Given the available evidence, this variant is classified as Likely Pathogenic.

Literature cited by the submitters: PubMed 9452056.

NM_033380.3(COL4A5):c.4279G>T (p.Gly1427Trp)

Gene: COL4A5 (collagen type IV alpha 5 chain; plus strand). Cytogenetic location: Xq22.3.
Variant type: single nucleotide variant.
Coding change: c.4279G>T on transcript NM_033380.3 (MANE Select); coding-DNA position 4279, G replaced by T.
Protein change: p.Gly1427Trp; replaces glycine 1427 with tryptophan.
Molecular consequence: missense variant.
Genome position (GRCh38, 1-based): chrX:108,686,093, G>T. VCF-style: chrX-108686093-G-T. GRCh37 (hg19) VCF-style: chrX-107929323-G-T.
Other names: c.4261G>T, p.Gly1421Trp (NM_000495.5); c.4261G>T (NM_000495.4); short protein forms G1421W, G1427W.
Identifiers: ClinVar variation 4818589 (VCV004818589.1), dbSNP rs104886272.